The following is an entry in ClinVar:

NM_031844.3(HNRNPU):c.1147C>G (p.Leu383Val)

Gene: HNRNPU (heterogeneous nuclear ribonucleoprotein U; minus strand). Cytogenetic location: 1q44.
Variant type: single nucleotide variant.
Coding change: c.1147C>G on transcript NM_031844.3 (MANE Select); coding-DNA position 1147, C replaced by G.
Protein change: p.Leu383Val; replaces leucine 383 with valine.
Molecular consequence: missense variant.
Genome position (GRCh38, 1-based): chr1:244,858,812, G>C on the plus strand (C>G on the coding strand, the complement: HNRNPU is on the minus strand). VCF-style: chr1-244858812-G-C. GRCh37 (hg19) VCF-style: chr1-245022114-G-C.
Other names: c.1090C>G, p.Leu364Val (NM_004501.3); short protein forms L383V, L364V.
Identifiers: ClinVar variation 2821413 (VCV002821413.3), dbSNP rs779598258, ClinGen allele CA345492293.
Genomic context (GRCh38, chr1:244,858,812, plus strand): 5'-TTTCATCAAACTTTTCTCCATAATCTTCAGTCTCACAGTTGCATGTTTTTATTCCTTTTA[G>C]AGAATACCCATAAGAAAATTCTTCTTCACCTAAGAAAATAATTAATCTTCATGAAGTAGA-3'
Protein context (NP_114032.2, residues 373-393): GEEEFSYGYS[Leu383Val]KGIKTCNCET

ClinVar aggregate classification (germline): Uncertain significance (1 of 4 stars; one submission).

Conditions:
Developmental and epileptic encephalopathy, 54. Also called: Epileptic encephalopathy, early infantile, 54; HNRNPU-Related Neurodevelopmental Disorder. Identifiers: MedGen C4479319, MONDO:0033363, OMIM 617391.

gnomAD v4.1: 1 of 1,561,384 alleles (0.000064%); highest among the groups gnomAD compares: Non-Finnish European, 0.000088%; no homozygotes.

Submission:

Labcorp Genetics (formerly Invitae), Labcorp
Classification: Uncertain significance for Developmental and epileptic encephalopathy, 54. Last evaluated: 2025-01-23. Review status: criteria provided, single submitter. Criteria: Invitae Variant Classification Sherloc (09022015). Collection method: clinical testing. Allele origin: germline.
Comment: This sequence change replaces leucine, which is neutral and non-polar, with valine, which is neutral and non-polar, at codon 383 of the HNRNPU protein (p.Leu383Val). This variant is not present in population databases (gnomAD no frequency). This variant has not been reported in the literature in individuals affected with HNRNPU-related conditions. ClinVar contains an entry for this variant (Variation ID: 2821413). Invitae Evidence Modeling of protein sequence and biophysical properties (such as structural, functional, and spatial information, amino acid conservation, physicochemical variation, residue mobility, and thermodynamic stability) indicates that this missense variant is not expected to disrupt HNRNPU protein function with a negative predictive value of 95%. In summary, the available evidence is currently insufficient to determine the role of this variant in disease. Therefore, it has been classified as a Variant of Uncertain Significance.